The following is an entry in ClinVar:

ClinVar aggregate classification (germline): Uncertain significance. Review status: criteria provided, multiple submitters, no conflicts (2 of 4 stars). 2 submissions from 2 submitters: Uncertain significance (2). Last evaluated 2026-07-13.

Conditions:
MEPE-related disorder. Also called: MEPE-related condition.

Submissions (2):

PreventionGenetics, part of Exact Sciences
Classification: Uncertain significance for MEPE-related condition. Last evaluated: 2026-07-13. Review status: criteria provided, single submitter. Criteria: ACMG Guidelines, 2015. Collection method: clinical testing. Allele origin: germline.
Comment: The MEPE c.1180C>A variant is predicted to result in the amino acid substitution p.Gln394Lys. To our knowledge, this variant has not been reported in the literature. This variant is absent in a large population database (gnomAD), indicating this variant is rare. At this time, the clinical significance of this variant is uncertain due to the absence of conclusive functional and genetic evidence.

Ambry Genetics
Classification: Uncertain significance. Last evaluated: 2025-03-17. Review status: criteria provided, single submitter. Criteria: Ambry Variant Classification Scheme 2023. Collection method: clinical testing. Allele origin: germline.

NM_020203.6(MEPE):c.1087C>A (p.Gln363Lys)

Genes: MEPE (matrix extracellular phosphoglycoprotein; plus strand), MEPE-AS1 (MEPE and IBSP antisense RNA 1; minus strand). Cytogenetic location: 4q22.1.
Variant type: single nucleotide variant.
Coding change: c.1087C>A on transcript NM_020203.6 (MANE Select); coding-DNA position 1087, C replaced by A.
Protein change: p.Gln363Lys; replaces glutamine 363 with lysine.
Molecular consequence: missense variant.
Genome position (GRCh38, 1-based): chr4:87,845,955, C>A. VCF-style: chr4-87845955-C-A. GRCh37 (hg19) VCF-style: chr4-88767107-C-A.
Other names: c.1087C>A, p.Gln363Lys (NM_001184694.3); c.748C>A, p.Gln250Lys (NM_001184695.4, NM_001184696.2, NM_001184697.2); c.1180C>A, p.Gln394Lys (NM_001291183.2); c.1180C>A (NM_001291183.1); short protein forms Q394K, Q363K, Q250K.
Identifiers: ClinVar variation 4053869 (VCV004053869.2).